The following is an entry in ClinVar:

ClinVar aggregate classification (germline): Uncertain significance (1 of 4 stars; one submission).

gnomAD v4.1: 3 of 1,614,122 alleles (0.00019%); highest among the groups gnomAD compares: Non-Finnish European, 0.00025%; no homozygotes.

Submission:

GeneDx
Classification: Uncertain significance. Last evaluated: 2024-08-14. Review status: criteria provided, single submitter. Criteria: GeneDx Variant Classification Process June 2021. Collection method: clinical testing. Allele origin: germline. Affected: yes.
Comment: In silico analysis indicates that this missense variant does not alter protein structure/function; Has not been previously published as pathogenic or benign to our knowledge

NM_015559.3(SETBP1):c.1256A>G (p.Lys419Arg)

Gene: SETBP1 (SET binding protein 1; plus strand). Cytogenetic location: 18q12.3.
Variant type: single nucleotide variant.
Coding change: c.1256A>G on transcript NM_015559.3 (MANE Select); coding-DNA position 1256, A replaced by G.
Protein change: p.Lys419Arg; replaces lysine 419 with arginine.
Molecular consequence: missense variant.
Genome position (GRCh38, 1-based): chr18:44,950,596, A>G. VCF-style: chr18-44950596-A-G. GRCh37 (hg19) VCF-style: chr18-42530561-A-G.
Other names: c.1256A>G, p.Lys419Arg (NM_001379141.1, NM_001379142.1, NM_001410862.1); short protein forms K419R.
Identifiers: ClinVar variation 3730992 (VCV003730992.1).
Genomic context (GRCh38, chr18:44,950,596, plus strand): 5'-ATGTCCGGATTACTATCCCCATCAAGGCACCCTCTCTGGATCCAACCAACCATAAGAGGA[A>G]AAAAAGACAGTCCATTAAAGCGGTGGTGGAAAAGATCATGCCAGAGAAAGCCTTGGCTTC-3'
Protein context (NP_056374.2, residues 409-429): PSLDPTNHKR[Lys419Arg]KRQSIKAVVE